The following is an entry in ClinVar:

NM_000256.3(MYBPC3):c.2541C>G (p.Tyr847Ter)

Gene: MYBPC3 (myosin binding protein C3; minus strand). Cytogenetic location: 11p11.2.
Variant type: single nucleotide variant.
Coding change: c.2541C>G on transcript NM_000256.3 (MANE Select); coding-DNA position 2541, C replaced by G.
Protein change: p.Tyr847Ter; replaces tyrosine 847 with a stop codon.
Molecular consequence: nonsense.
Genome position (GRCh38, 1-based): chr11:47,337,452, G>C on the plus strand (C>G on the coding strand, the complement: MYBPC3 is on the minus strand). VCF-style: chr11-47337452-G-C. GRCh37 (hg19) VCF-style: chr11-47359003-G-C.
Other names: p.Y847*:TAC>TAG; short protein forms Y847*.
Identifiers: ClinVar variation 42636 (VCV000042636.23), dbSNP rs397515974, ClinGen allele CA012567.

ClinVar aggregate classification (germline): Pathogenic/Likely pathogenic. Review status: criteria provided, multiple submitters, no conflicts (2 of 4 stars). 6 submissions from 6 submitters: Pathogenic (5); Likely pathogenic (1). Last evaluated 2025-08-13.

Conditions:
MYBPC3-related disorder. Also called: MYBPC3-related disorders; MYBPC3-related condition; MYBPC3-related disease.
Cardiomyopathy (CMYO). Also called: Cardiomyopathies. Identifiers: Orphanet 167848, MedGen C0878544, MONDO:0004994, HP:0001638. Inheritance: Various modes of inheritance.
Hypertrophic cardiomyopathy 4. Also called: Familial hypertrophic cardiomyopathy 4. Identifiers: MedGen C1861862, MONDO:0007268, OMIM 115197.
Hypertrophic cardiomyopathy. Also called: HYPERTROPHIC MYOCARDIOPATHY. Identifiers: Orphanet 217569, MedGen C0007194, MeSH D002312, MONDO:0005045, HP:0001639.

gnomAD v4.1: 1 of 1,613,278 alleles (0.000062%); highest among the groups gnomAD compares: Non-Finnish European, 0.000085%; no homozygotes.

Submissions (6):

Labcorp Genetics (formerly Invitae), Labcorp
Classification: Pathogenic for Hypertrophic cardiomyopathy. Last evaluated: 2025-08-13. Review status: criteria provided, single submitter. Criteria: Invitae Variant Classification Sherloc (09022015). Collection method: clinical testing. Allele origin: germline.
Comment: This sequence change creates a premature translational stop signal (p.Tyr847*) in the MYBPC3 gene. It is expected to result in an absent or disrupted protein product. Loss-of-function variants in MYBPC3 are known to be pathogenic (PMID: 19574547). This variant is not present in population databases (gnomAD no frequency). This variant has not been reported in the literature in individuals affected with MYBPC3-related conditions. ClinVar contains an entry for this variant (Variation ID: 42636). For these reasons, this variant has been classified as Pathogenic.

Blueprint Genetics
Classification: Pathogenic for MYBPC3-related disorders. Last evaluated: 2024-09-09. Review status: criteria provided, single submitter. Criteria: ACMG Guidelines, 2015. Collection method: clinical testing. Allele origin: germline. Affected: yes. Observed: 5 variant alleles.

GeneDx
Classification: Pathogenic. Last evaluated: 2022-06-21. Review status: criteria provided, single submitter. Criteria: GeneDx Variant Classification Process June 2021. Collection method: clinical testing. Allele origin: germline. Affected: yes.
Comment: Not observed at significant frequency in large population cohorts (gnomAD); Nonsense variant predicted to result in protein truncation or nonsense mediated decay in a gene for which loss-of-function is a known mechanism of disease; A different nucleotide substitution (c.2541 C>A) predicted to result in the same nonsense variant (p.(Y847*)) has also been reported in HGMD in association with hypertrophic cardiomyopathy (HGMD); This variant is associated with the following publications: (PMID: 34598319, 25525159, 24510615, 15519027, 24111713, 21415409, 28450932, 24093860, 29121657, 28193612, 31919335, 33673806, 35626289, 32041989)

CHEO Genetics Diagnostic Laboratory, Children's Hospital of Eastern Ontario
Classification: Pathogenic for Cardiomyopathy. Last evaluated: 2021-03-09. Review status: criteria provided, single submitter. Criteria: ACMG Guidelines, 2015. Collection method: clinical testing. Allele origin: germline.

Laboratory for Molecular Medicine, Mass General Brigham Personalized Medicine
Classification: Pathogenic for Hypertrophic cardiomyopathy. Last evaluated: 2020-09-28. Review status: criteria provided, single submitter. Criteria: LMM Criteria. Collection method: clinical testing. Allele origin: germline. Inheritance: Autosomal dominant inheritance. Observed: 4 variant alleles.
Comment: The c.2541C>A p.Tyr847X variant in MYBPC3 has been reported in 1 individual with hypertrophic cardiomyopathy (HCM; Alfares 2015 PMID: 25611685; Walsh 2017 PMID: 27532257; LMM data) and was absent from large population studies. This nonsense variant leads to a premature termination codon at position 847, which is predicted to lead to a truncated or absent protein. Loss of function of the MYBPC3 gene is an established disease mechanism in autosomal dominant HCM. Another variant at this position resulting in the same impact on the protein (c.2541C>G, p.Tyr847X) has been identified in individuals with HCM and is classified as pathogenic by this laboratory as well as others (ClinVar Variation ID 42636). In summary, this variant meets criteria to be classified as pathogenic for autosomal dominant HCM. ACMG/AMP Criteria applied: PVS1, PM2, PS1.

Laboratory of Genetics and Molecular Cardiology, University of São Paulo
Classification: Likely pathogenic for Hypertrophic cardiomyopathy 4. Review status: criteria provided, single submitter. Criteria: LGCM Criteria August 2015. Collection method: clinical testing. Allele origin: germline. Inheritance: Autosomal dominant inheritance. Affected: yes. Observed: 1 variant allele. Study: Sarcomeric Human Cardiomyopathy Registry (ShaRe).

Literature cited by the submitters: PubMed 19574547 (cited by Labcorp Genetics (formerly Invitae), Labcorp); PubMed 15519027 (cited by Laboratory for Molecular Medicine, Mass General Brigham Personalized Medicine and Laboratory of Genetics and Molecular Cardiology, University of São Paulo).